The following is an entry in ClinVar:

ClinVar aggregate classification (germline): Benign. Review status: criteria provided, multiple submitters, no conflicts (2 of 4 stars). 2 submissions from 2 submitters: Benign (2). Last evaluated 2018-01-13.

Conditions:
Congenital isolated adrenocorticotropic hormone deficiency. Also called: ACTH DEFICIENCY, ISOLATED; ACTH deficiency; Adrenocorticotropic hormone deficiency. Identifiers: Orphanet 199296, MedGen C0342388, MONDO:0008720, OMIM 201400, HP:0011748.

Allele frequency attached by ClinVar (database versions not stated): 1000 Genomes Project 30x 0.18707; 1000 Genomes Project 0.19010; TOPMed 0.24456; gnomAD 0.26096 and 0.26364.
gnomAD v4.1: 173,137 of 569,606 alleles (30%); highest among the groups gnomAD compares: Non-Finnish European, 37%; 29,385 homozygotes.

Submissions (2):

Illumina Laboratory Services, Illumina
Classification: Benign for Congenital isolated adrenocorticotropic hormone deficiency. Last evaluated: 2018-01-13. Review status: criteria provided, single submitter. Criteria: ICSL Variant Classification Criteria 13 December 2019. Collection method: clinical testing. Allele origin: germline.
Comment: This variant was observed in the ICSL laboratory as part of a predisposition screen in an ostensibly healthy population. It had not been previously curated by ICSL or reported in the Human Gene Mutation Database (HGMD: prior to June 1st, 2018), and was therefore a candidate for classification through an automated scoring system. Utilizing variant allele frequency, disease prevalence and penetrance estimates, and inheritance mode, an automated score was calculated to assess if this variant is too frequent to cause the disease. Based on the score and internal cut-off values, a variant classified as benign is not then subjected to further curation. The score for this variant resulted in a classification of benign for this disease.

Breakthrough Genomics
Classification: Benign. Review status: criteria provided, single submitter. Criteria: ACMG Guidelines, 2015. Collection method: not provided. Allele origin: germline. Inheritance: Autosomal recessive inheritance. Affected: yes.

NM_005149.3(TBX19):c.*251T>C

Gene: TBX19 (T-box transcription factor 19; plus strand). Cytogenetic location: 1q24.2.
Variant type: single nucleotide variant.
Coding change: c.*251T>C on transcript NM_005149.3 (MANE Select); 251 bases downstream of the stop codon, T replaced by C.
Molecular consequence: 3 prime UTR variant.
Genome position (GRCh38, 1-based): chr1:168,313,253, T>C. VCF-style: chr1-168313253-T-C. GRCh37 (hg19) VCF-style: chr1-168282491-T-C.
Identifiers: ClinVar variation 293486 (VCV000293486.6), dbSNP rs1000533, ClinGen allele CA10608083.
Genomic context (GRCh38, chr1:168,313,253, plus strand): 5'-TCTCCACCATTTTCTTCTGCACTCCCATTTTCTCTGCAGCTTATTCTTGCCATGCTTAGG[T>C]GACAGAAGTTTGTTAAGTACCATCCTTGTGCCCTGCCTCTTATTCTCAAATCGTTCTGGA-3'